The following is an entry in ClinVar:

NM_001127178.3(PIGG):c.1114+8A>G

Gene: PIGG (phosphatidylinositol glycan anchor biosynthesis class G (EMM blood group); plus strand). Cytogenetic location: 4p16.3.
Variant type: single nucleotide variant.
Coding change: c.1114+8A>G on transcript NM_001127178.3 (MANE Select); 8 bases into the intron after coding-DNA position 1114, A replaced by G.
Molecular consequence: intron variant.
Genome position (GRCh38, 1-based): chr4:516,193, A>G. VCF-style: chr4-516193-A-G. GRCh37 (hg19) VCF-style: chr4-509982-A-G.
Other names: c.-99+8A>G (NM_001345994.2); c.847+8A>G (NM_001345986.2, NM_001345987.2, NM_001289051.2 and 2 more transcripts); c.-374+8A>G (NM_001345991.2); c.85+8A>G (NM_001345988.2); c.-512+8A>G (NM_001345990.2); c.1114+8A>G (NM_017733.5, NM_001345989.2); c.715+8A>G (NM_001289052.2); c.748+8A>G (NM_001289055.2).
Identifiers: ClinVar variation 476312 (VCV000476312.38), dbSNP rs182522437, ClinGen allele CA2793199.
Genomic context (GRCh38, chr4:516,193, plus strand): 5'-TACAGTGCAGCTTAGTAAACTGTTGCAAGAGAATGTGCCGTCATATGAAAAAGGTCAGTC[A>G]ACTCACCGTTTCGAGCTCTGTCAGAGCTGTGTGTTTCCACTGAGCTCGGGTTTCTCCGAT-3'

ClinVar aggregate classification (germline): Benign/Likely benign. Review status: criteria provided, multiple submitters, no conflicts (2 of 4 stars). 4 submissions from 4 submitters: Benign (1); Likely benign (3). Last evaluated 2026-07-01.

Conditions:
Intellectual disability, autosomal recessive 53 (NEDHSCA). Also called: GLYCOSYLPHOSPHATIDYLINOSITOL BIOSYNTHESIS DEFECT 13; Mental retardation, autosomal recessive 53; NEURODEVELOPMENTAL DISORDER WITH OR WITHOUT HYPOTONIA, SEIZURES, AND CEREBELLAR ATROPHY. Identifiers: Orphanet 488635, MedGen C4310794, MONDO:0014832, OMIM 616917.

Allele frequency attached by ClinVar (database versions not stated): 1000 Genomes Project 0.00040; 1000 Genomes Project 30x 0.00047; TOPMed 0.00132; gnomAD 0.00221 and 0.00233; ESP Exome Variant Server 0.00246; gnomAD exomes 0.00278 and 0.00297.
gnomAD v4.1: 4,585 of 1,595,816 alleles (0.29%); highest among the groups gnomAD compares: Non-Finnish European, 0.31%; 18 homozygotes.

Submissions (4):

CeGaT Center for Human Genetics Tuebingen
Classification: Likely benign. Last evaluated: 2026-07-01. Review status: criteria provided, single submitter. Criteria: CeGaT Center For Human Genetics Tuebingen Variant Classification Criteria Version 2. Collection method: clinical testing. Allele origin: germline. Affected: yes. Observed: 3 variant alleles.
Comment: PIGG: BP4

Labcorp Genetics (formerly Invitae), Labcorp
Classification: Benign for Intellectual disability, autosomal recessive 53. Last evaluated: 2026-02-03. Review status: criteria provided, single submitter. Criteria: Invitae Variant Classification Sherloc (09022015). Collection method: clinical testing. Allele origin: germline.

Blueprint Genetics
Classification: Likely benign. Last evaluated: 2024-11-26. Review status: criteria provided, single submitter. Criteria: ACMG Guidelines, 2015. Collection method: clinical testing. Allele origin: germline.

GeneDx
Classification: Likely benign. Last evaluated: 2021-05-26. Review status: criteria provided, single submitter. Criteria: GeneDx Variant Classification Process June 2021. Collection method: clinical testing. Allele origin: germline. Affected: yes.